The following is an entry in ClinVar:

NM_003239.5(TGFB3):c.39C>T (p.Ala13=)

Gene: TGFB3 (transforming growth factor beta 3; minus strand). Cytogenetic location: 14q24.3.
Variant type: single nucleotide variant.
Coding change: c.39C>T on transcript NM_003239.5 (MANE Select); coding-DNA position 39, C replaced by T.
Protein change: p.Ala13=; no amino-acid change (alanine 13 retained).
Molecular consequence: synonymous variant.
Genome position (GRCh38, 1-based): chr14:75,980,855, G>A on the plus strand (C>T on the coding strand, the complement: TGFB3 is on the minus strand). VCF-style: chr14-75980855-G-A. GRCh37 (hg19) VCF-style: chr14-76447198-G-A.
Other names: p.Ala13=; c.39C>T, p.Ala13= (NM_001329938.2, NM_001329939.2).
Identifiers: ClinVar variation 416062 (VCV000416062.33), dbSNP rs11466415, ClinGen allele CA7280531.

ClinVar aggregate classification (germline): Benign/Likely benign. Review status: criteria provided, multiple submitters, no conflicts (2 of 4 stars). 9 submissions from 9 submitters: Benign (6); Likely benign (3). Last evaluated 2026-01-28.

Conditions:
Familial thoracic aortic aneurysm and aortic dissection (TAAD). Also called: Thoracic aortic aneurysms and dissections. Identifiers: Orphanet 91387, MedGen C4707243, MONDO:0019625.
Rienhoff syndrome. Also called: LOEYS-DIETZ SYNDROME 5. Identifiers: MedGen C3810012, MONDO:0014262, OMIM 615582.

Allele frequency attached by ClinVar (database versions not stated): gnomAD exomes 0.00038 and 0.00098; ExAC 0.00115; 1000 Genomes Project 0.00359; gnomAD 0.00409 and 0.00461; ESP Exome Variant Server 0.00415; 1000 Genomes Project 30x 0.00422; TOPMed 0.00485.

Submissions (9):

Labcorp Genetics (formerly Invitae), Labcorp
Classification: Benign for Rienhoff syndrome. Last evaluated: 2026-01-28. Review status: criteria provided, single submitter. Criteria: Invitae Variant Classification Sherloc (09022015). Collection method: clinical testing. Allele origin: germline.

Molecular Diagnostic Laboratory for Inherited Cardiovascular Disease, Montreal Heart Institute
Classification: Benign. Last evaluated: 2025-04-09. Review status: criteria provided, single submitter. Criteria: ACMG Guidelines, 2015. Collection method: clinical testing. Allele origin: germline. Affected: no.

ARUP Laboratories, Molecular Genetics and Genomics, ARUP Laboratories
Classification: Benign. Last evaluated: 2025-04-07. Review status: criteria provided, single submitter. Criteria: ARUP Molecular Germline Variant Investigation Process 2024. Collection method: clinical testing. Allele origin: germline.

Blueprint Genetics
Classification: Likely benign. Last evaluated: 2024-10-18. Review status: criteria provided, single submitter. Criteria: ACMG Guidelines, 2015. Collection method: clinical testing. Allele origin: germline.

Mayo Clinic Laboratories, Mayo Clinic
Classification: Benign. Last evaluated: 2023-11-29. Review status: criteria provided, single submitter. Criteria: ACMG Guidelines, 2015. Collection method: clinical testing. Allele origin: germline. Observed: 4 variant alleles.
Comment: BS1, BS2, BP4, BP7

GeneDx
Classification: Benign. Last evaluated: 2017-01-19. Review status: criteria provided, single submitter. Criteria: GeneDx Variant Classification (06012015). Collection method: clinical testing. Allele origin: germline. Affected: yes.
Comment: This variant is considered likely benign or benign based on one or more of the following criteria: it is a conservative change, it occurs at a poorly conserved position in the protein, it is predicted to be benign by multiple in silico algorithms, and/or has population frequency not consistent with disease.

CHEO Genetics Diagnostic Laboratory, Children's Hospital of Eastern Ontario
Classification: Likely benign for Familial thoracic aortic aneurysm and aortic dissection. Last evaluated: 2016-06-19. Review status: criteria provided, single submitter. Criteria: ACMG Guidelines, 2015. Collection method: clinical testing. Allele origin: germline. Study: Canadian Open Genetics Repository.

Ambry Genetics
Classification: Benign for Familial thoracic aortic aneurysm and aortic dissection. Last evaluated: 2015-08-04. Review status: criteria provided, single submitter. Criteria: Ambry Variant Classification Scheme 2023. Collection method: clinical testing. Allele origin: germline.

Breakthrough Genomics
Classification: Likely benign. Review status: criteria provided, single submitter. Criteria: ACMG Guidelines, 2015. Collection method: not provided. Allele origin: germline. Inheritance: Autosomal dominant inheritance. Affected: yes.